The following is an entry in ClinVar:

NM_000138.5(FBN1):c.2729-8C>G

Gene: FBN1 (fibrillin 1; minus strand). Cytogenetic location: 15q21.1.
Variant type: single nucleotide variant.
Coding change: c.2729-8C>G on transcript NM_000138.5 (MANE Select); 8 bases into the intron before coding-DNA position 2729, C replaced by G.
Molecular consequence: intron variant.
Genome position (GRCh38, 1-based): chr15:48,492,594, G>C on the plus strand (C>G on the coding strand, the complement: FBN1 is on the minus strand). VCF-style: chr15-48492594-G-C. GRCh37 (hg19) VCF-style: chr15-48784791-G-C.
Identifiers: ClinVar variation 377860 (VCV000377860.13), dbSNP rs775257418, ClinGen allele CA7547932.

ClinVar aggregate classification (germline): Likely benign. Review status: criteria provided, multiple submitters, no conflicts (2 of 4 stars). 5 submissions from 5 submitters: Likely benign (5). Last evaluated 2025-11-21.

Conditions:
Familial thoracic aortic aneurysm and aortic dissection (TAAD). Also called: Thoracic aortic aneurysms and dissections. Identifiers: Orphanet 91387, MedGen C4707243, MONDO:0019625.
Marfan syndrome (MFS). Also called: Marfan syndrome, classic; Marfan syndrome type 1; Marfan's syndrome; MARFAN SYNDROME, TYPE I; FBN1-Related Marfan Syndrome. Identifiers: Orphanet 284963, Orphanet 558, MedGen C0024796, MONDO:0007947, OMIM 154700.

Allele frequency attached by ClinVar (database versions not stated): gnomAD 0.00003; TOPMed 0.00003.
gnomAD v4.1: 55 of 1,556,584 alleles (0.0035%); highest among the groups gnomAD compares: Non-Finnish European, 0.0047%; no homozygotes.

Submissions (5):

Labcorp Genetics (formerly Invitae), Labcorp
Classification: Likely benign for Marfan syndrome; Familial thoracic aortic aneurysm and aortic dissection. Last evaluated: 2025-11-21. Review status: criteria provided, single submitter. Criteria: Invitae Variant Classification Sherloc (09022015). Collection method: clinical testing. Allele origin: germline.

Women's Health and Genetics/Laboratory Corporation of America, LabCorp
Classification: Likely benign. Last evaluated: 2025-04-23. Review status: criteria provided, single submitter. Criteria: LabCorp Variant Classification Summary - May 2015. Collection method: clinical testing. Allele origin: germline.

Blueprint Genetics
Classification: Likely benign. Last evaluated: 2022-05-04. Review status: criteria provided, single submitter. Criteria: ACMG Guidelines, 2015. Collection method: clinical testing. Allele origin: germline.

Color Diagnostics, LLC DBA Color Health
Classification: Likely benign for Familial thoracic aortic aneurysm and aortic dissection. Last evaluated: 2018-10-25. Review status: criteria provided, single submitter. Criteria: ACMG Guidelines, 2015. Collection method: clinical testing. Allele origin: germline.

GeneDx
Classification: Likely benign. Last evaluated: 2016-10-04. Review status: criteria provided, single submitter. Criteria: GeneDx Variant Classification (06012015). Collection method: clinical testing. Allele origin: germline. Affected: yes.
Comment: This variant is considered likely benign or benign based on one or more of the following criteria: it is a conservative change, it occurs at a poorly conserved position in the protein, it is predicted to be benign by multiple in silico algorithms, and/or has population frequency not consistent with disease.